The following is an entry in ClinVar:

NM_000051.4(ATM):c.2441del (p.Asp814fs)

Gene: ATM (ATM serine/threonine kinase; plus strand). Cytogenetic location: 11q22.3.
Variant type: Deletion.
Coding change: c.2441del on transcript NM_000051.4 (MANE Select); coding-DNA position 2441, one base deleted (A; older notation c.2441delA).
Protein change: p.Asp814fs; shifts the reading frame from aspartic acid 814.
Molecular consequence: frameshift variant.
Genome position (GRCh38, 1-based): chr11:108,259,050, A deleted. VCF-style (leftmost placement, unchanged base first): chr11-108259049-GA-G. GRCh37 (hg19) VCF-style: chr11-108129776-GA-G.
Other names: c.2441del, p.Asp814fs (NM_001351834.2); c.2441delA (NM_000051.4); short protein forms D814fs.
Identifiers: ClinVar variation 560352 (VCV000560352.2), dbSNP rs1565400045, ClinGen allele CA658823318.

ClinVar aggregate classification (germline): Pathogenic. Review status: criteria provided, single submitter (1 of 4 stars). 2 submissions from 2 submitters: Pathogenic (1). 1 of the submissions does not count toward it. Last evaluated 2024-08-05.

Conditions:
Neoplasm. Also called: tumor; Neoplasms; Neoplasm (disease). Identifiers: MedGen C0027651, MeSH D009369, MONDO:0005070, HP:0002664.
Ataxia-telangiectasia syndrome (AT). Also called: Ataxia telangiectasia (A-T); Ataxia-telangiectasia, complementation group D; AT, COMPLEMENTATION GROUP C; ATAXIA-TELANGIECTASIA, COMPLEMENTATION GROUP A; Ataxia-telangiectasia, complementation group E; ATAXIA-TELANGIECTASIA, FRESNO VARIANT. Identifiers: Orphanet 100, MedGen C0004135, MONDO:0008840, OMIM 208900.

Submissions (2):

Women's Health and Genetics/Laboratory Corporation of America, LabCorp
Classification: Pathogenic for Ataxia-telangiectasia syndrome. Last evaluated: 2024-08-05. Review status: criteria provided, single submitter. Criteria: LabCorp Variant Classification Summary - May 2015. Collection method: clinical testing. Allele origin: germline.
Comment: Variant summary: ATM c.2441delA (p.Asp814AlafsX9) results in a premature termination codon, predicted to cause absence of the protein due to nonsense mediated decay, which is a commonly known mechanism for disease. The variant was absent in 251096 control chromosomes. c.2441delA has been reported in the literature in one unspecified individual from a large cohot of predominantly healthy individuals, without primary information (Zouk_2019) . These report(s) do not provide unequivocal conclusions about association of the variant with Ataxia-Telangiectasia. To our knowledge, no experimental evidence demonstrating an impact on protein function has been reported. The following publication has been ascertained in the context of this evaluation (PMID: 31447099). ClinVar contains an entry for this variant (Variation ID: 560352). Based on the evidence outlined above, the variant was classified as pathogenic.

Institute of Human Genetics, University of Wuerzburg
Classification: Pathogenic for Neoplasm. Review status: no assertion criteria provided. Collection method: clinical testing. Allele origin: unknown. Not counted in ClinVar's aggregate classification.

Literature cited by the submitters: PubMed 31447099 (cited by Women's Health and Genetics/Laboratory Corporation of America, LabCorp).